The following is an entry in ClinVar:

NM_000287.4(PEX6):c.604G>A (p.Gly202Arg)

Gene: PEX6 (peroxisomal biogenesis factor 6; minus strand). Cytogenetic location: 6p21.1.
Variant type: single nucleotide variant.
Coding change: c.604G>A on transcript NM_000287.4 (MANE Select); coding-DNA position 604, G replaced by A.
Protein change: p.Gly202Arg; replaces glycine 202 with arginine.
Molecular consequence: missense variant. On other transcripts: non-coding transcript variant (1).
Genome position (GRCh38, 1-based): chr6:42,978,547, C>T on the plus strand (G>A on the coding strand, the complement: PEX6 is on the minus strand). VCF-style: chr6-42978547-C-T. GRCh37 (hg19) VCF-style: chr6-42946285-C-T.
Other names: c.604G>A, p.Gly202Arg (NM_001316313.2); short protein forms G202R.
Identifiers: ClinVar variation 3345836 (VCV003345836.1).
Genomic context (GRCh38, chr6:42,978,547, plus strand): 5'-ATTCGCCCTGGAAGAGGCCAAGGCCACGGAGACAGCTCCGGCTCACCCCTAGTGAATCTC[C>T]AGTCCCTCCCAGAACTCCCTGGAGTCGCCGCACTGTGCCAGAAACCGCAAAGGAGGACAC-3'
Protein context (NP_000278.3, residues 192-212): RRLQGVLGGT[Gly202Arg]DSLGVSRSCL

ClinVar aggregate classification (germline): Uncertain significance (0 of 4 stars; one submission).

Conditions:
PEX6-related disorder. Also called: PEX6-related condition; PEX6-related disorders.

Submission:

PreventionGenetics, part of Exact Sciences
Classification: Uncertain significance for PEX6-related condition. Last evaluated: 2024-05-02. Review status: no assertion criteria provided. Collection method: clinical testing. Allele origin: germline.
Comment: The PEX6 c.604G>A variant is predicted to result in the amino acid substitution p.Gly202Arg. To our knowledge, this variant has not been reported in the literature or in a large population database, indicating this variant is rare. At this time, the clinical significance of this variant is uncertain due to the absence of conclusive functional and genetic evidence.